The following is an entry in ClinVar:

NM_014159.7(SETD2):c.1229A>G (p.Glu410Gly)

Gene: SETD2 (SET domain containing 2, histone lysine methyltransferase; minus strand). Cytogenetic location: 3p21.31.
Variant type: single nucleotide variant.
Coding change: c.1229A>G on transcript NM_014159.7 (MANE Select); coding-DNA position 1229, A replaced by G.
Protein change: p.Glu410Gly; replaces glutamic acid 410 with glycine.
Molecular consequence: missense variant. On other transcripts: non-coding transcript variant (1).
Genome position (GRCh38, 1-based): chr3:47,123,407, T>C on the plus strand (A>G on the coding strand, the complement: SETD2 is on the minus strand). VCF-style: chr3-47123407-T-C. GRCh37 (hg19) VCF-style: chr3-47164897-T-C.
Other names: c.1097A>G, p.Glu366Gly (NM_001349370.3); short protein forms E366G, E410G.
Identifiers: ClinVar variation 4084175 (VCV004084175.8).

ClinVar aggregate classification (germline): Uncertain significance (1 of 4 stars; one submission).

Submission:

CeGaT Center for Human Genetics Tuebingen
Classification: Uncertain significance. Last evaluated: 2025-07-01. Review status: criteria provided, single submitter. Criteria: CeGaT Center For Human Genetics Tuebingen Variant Classification Criteria Version 2. Collection method: clinical testing. Allele origin: germline. Affected: yes. Observed: 1 variant allele.
Comment: SETD2: PM2, BP4